The following is an entry in ClinVar:

ClinVar aggregate classification (germline): Uncertain significance (1 of 4 stars; one submission).

Conditions:
Familial cancer of breast. Also called: hereditary breast carcinoma; BREAST CANCER, FAMILIAL; Hereditary breast cancer. Identifiers: Orphanet 227535, MedGen C0346153, MONDO:0016419, OMIM 114480. Disease mechanism: loss of function.

Allele frequency attached by ClinVar (database versions not stated): gnomAD exomes below 0.00001; TOPMed below 0.00001.
gnomAD v4.1: 2 of 1,613,610 alleles (0.00012%); highest among the groups gnomAD compares: South Asian, 0.0011%; no homozygotes.

Submission:

Labcorp Genetics (formerly Invitae), Labcorp
Classification: Uncertain significance for Familial cancer of breast. Last evaluated: 2020-07-12. Review status: criteria provided, single submitter. Criteria: Invitae Variant Classification Sherloc (09022015). Collection method: clinical testing. Allele origin: germline.
Comment: Algorithms developed to predict the effect of missense changes on protein structure and function output the following: SIFT: "Tolerated"; PolyPhen-2: "Benign"; Align-GVGD: "Class C0". The proline amino acid residue is found in multiple mammalian species, suggesting that this missense change does not adversely affect protein function. These predictions have not been confirmed by published functional studies and their clinical significance is uncertain. This sequence change replaces leucine with proline at codon 844 of the PALB2 protein (p.Leu844Pro). The leucine residue is moderately conserved and there is a moderate physicochemical difference between leucine and proline. This variant is present in population databases (rs375713631, ExAC 0.001%). This variant has not been reported in the literature in individuals with PALB2-related disease. In summary, the available evidence is currently insufficient to determine the role of this variant in disease. Therefore, it has been classified as a Variant of Uncertain Significance.

NM_024675.4(PALB2):c.2531T>C (p.Leu844Pro)

Gene: PALB2 (partner and localizer of BRCA2; minus strand). Cytogenetic location: 16p12.2.
Variant type: single nucleotide variant.
Coding change: c.2531T>C on transcript NM_024675.4 (MANE Select); coding-DNA position 2531, T replaced by C.
Protein change: p.Leu844Pro; replaces leucine 844 with proline.
Molecular consequence: missense variant.
Genome position (GRCh38, 1-based): chr16:23,629,259, A>G on the plus strand (T>C on the coding strand, the complement: PALB2 is on the minus strand). VCF-style: chr16-23629259-A-G. GRCh37 (hg19) VCF-style: chr16-23640580-A-G.
Other names: short protein forms L844P.
Identifiers: ClinVar variation 569260 (VCV000569260.9), dbSNP rs375713631, ClinGen allele CA7963544.
Genomic context (GRCh38, chr16:23,629,259, plus strand): 5'-CTGACCTTTAACTCTGAAACCAATTGTAGGTTGCCTGGGTTTATGCTATCAGAAGCAGGA[A>G]GCTCTGCTGTTTCAGTCTGTGAAAACAAAAGTCACATCATTAGTCTACACTTTATGTATA-3'
Protein context (NP_078951.2, residues 834-854): HSVEQTETAE[Leu844Pro]PASDSINPGN